The following is an entry in ClinVar:

NM_198525.3(KIF7):c.2854_2856del (p.Glu952del)

Gene: KIF7 (kinesin family member 7; minus strand). Cytogenetic location: 15q26.1.
Variant type: Deletion.
Coding change: c.2854_2856del on transcript NM_198525.3 (MANE Select); coding-DNA positions 2854 to 2856, 3 bases deleted (GAG; older notation c.2854_2856delGAG).
Protein change: p.Glu952del; deletes glutamic acid 952.
Molecular consequence: inframe deletion.
Genome position (GRCh38, 1-based): chr15:89,632,859-89,632,861, CTC deleted on the plus strand (GAG on the coding strand, the reverse complement: KIF7 is on the minus strand); deleting any 3 consecutive bases within chr15:89,632,859-89,632,863 gives the same sequence; the c. name uses the placement nearest the transcript's 3' end. VCF-style (leftmost placement, unchanged base first): chr15-89632858-TCTC-T. GRCh37 (hg19) VCF-style: chr15-90176089-TCTC-T.
Other names: short protein forms E952del.
Identifiers: ClinVar variation 3354916 (VCV003354916.1).

ClinVar aggregate classification (germline): Uncertain significance (0 of 4 stars; one submission).

Conditions:
KIF7-related disorder. Also called: KIF7-related condition.

Submission:

PreventionGenetics, part of Exact Sciences
Classification: Uncertain significance for KIF7-related condition. Last evaluated: 2024-08-21. Review status: no assertion criteria provided. Collection method: clinical testing. Allele origin: germline.
Comment: The KIF7 c.2854_2856delGAG variant is predicted to result in an in-frame deletion (p.Glu952del). To our knowledge, this variant has not been reported in the literature. This variant is reported in 0.012% of alleles in individuals of Latino descent in gnomAD. At this time, the clinical significance of this variant is uncertain due to the absence of conclusive functional and genetic evidence.